The following is an entry in ClinVar:

NM_014681.6(DHX34):c.1491C>T (p.Pro497=)

Gene: DHX34 (DExH-box helicase 34; plus strand). Cytogenetic location: 19q13.32.
Variant type: single nucleotide variant.
Coding change: c.1491C>T on transcript NM_014681.6 (MANE Select); coding-DNA position 1491, C replaced by T.
Protein change: p.Pro497=; no amino-acid change (proline 497 retained).
Molecular consequence: synonymous variant.
Genome position (GRCh38, 1-based): chr19:47,362,591, C>T. VCF-style: chr19-47362591-C-T. GRCh37 (hg19) VCF-style: chr19-47865848-C-T.
Identifiers: ClinVar variation 712251 (VCV000712251.7), dbSNP rs114512655, ClinGen allele CA9538092.

ClinVar aggregate classification (germline): Benign/Likely benign. Review status: criteria provided, multiple submitters, no conflicts (2 of 4 stars). 4 submissions from 4 submitters: Benign (2); Likely benign (1). 1 of the submissions does not count toward it. Last evaluated 2024-11-27.

Conditions:
DHX34-related disorder. Also called: DHX34-related condition.

Allele frequency attached by ClinVar (database versions not stated): gnomAD exomes 0.00037 and 0.00086; ExAC 0.00122; ESP Exome Variant Server 0.00308; gnomAD 0.00317 and 0.00345; 1000 Genomes Project 30x 0.00359; TOPMed 0.00377; 1000 Genomes Project 0.00379.

Submissions (4):

Blueprint Genetics
Classification: Likely benign. Last evaluated: 2024-11-27. Review status: criteria provided, single submitter. Criteria: ACMG Guidelines, 2015. Collection method: clinical testing. Allele origin: germline.

Labcorp Genetics (formerly Invitae), Labcorp
Classification: Benign. Last evaluated: 2018-02-20. Review status: criteria provided, single submitter. Criteria: Invitae Variant Classification Sherloc (09022015). Collection method: clinical testing. Allele origin: germline.

Breakthrough Genomics
Classification: Benign. Review status: criteria provided, single submitter. Criteria: ACMG Guidelines, 2015. Collection method: not provided. Allele origin: germline. Inheritance: Unknown mechanism. Affected: yes.

PreventionGenetics, part of Exact Sciences
Classification: Benign for DHX34-related condition. Last evaluated: 2019-12-05. Review status: no assertion criteria provided. Collection method: clinical testing. Allele origin: germline. Not counted in ClinVar's aggregate classification.
Comment: This variant is classified as benign based on ACMG/AMP sequence variant interpretation guidelines (Richards et al. 2015 PMID: 25741868, with internal and published modifications).